The following is an entry in ClinVar:

ClinVar aggregate classification (germline): Pathogenic (1 of 4 stars; one submission).

Conditions:
Primary ciliary dyskinesia 3. Identifiers: Orphanet 244, MedGen C1837618, MONDO:0012085, OMIM 608644.

Submission:

Myriad Genetics, Inc.
Classification: Pathogenic for Primary ciliary dyskinesia 3. Last evaluated: 2023-09-27. Review status: criteria provided, single submitter. Criteria: Myriad Autosomal Dominant, Autosomal Recessive and X-Linked Classification Criteria (2023). Collection method: clinical testing. Allele origin: unknown.
Comment: NM_001369.2(DNAH5):c.1858dupC(Q620Pfs*17) is expected to be pathogenic in the context of primary ciliary dyskinesia, DNAH5-related. This variant is predicted to lead to an abnormal or absent protein product due to the creation of a premature termination codon in DNAH5, a gene where loss-of-function variants are known to be pathogenic. Please note: this variant was assessed in the context of healthy population screening.

NM_001369.3(DNAH5):c.1858dup (p.Gln620fs)

Gene: DNAH5 (dynein axonemal heavy chain 5; minus strand). Cytogenetic location: 5p15.2.
Variant type: Duplication.
Coding change: c.1858dup on transcript NM_001369.3 (MANE Select); coding-DNA position 1858, one base duplicated (C; older notation c.1858dupC).
Protein change: p.Gln620fs; shifts the reading frame from glutamine 620.
Molecular consequence: frameshift variant.
Genome position (GRCh38, 1-based): chr5:13,901,446, G duplicated on the plus strand (C on the coding strand, the reverse complement: DNAH5 is on the minus strand); the first of 2 consecutive G bases (chr5:13,901,446-13,901,447); duplicating either gives the same sequence. VCF-style (leftmost placement, unchanged base first): chr5-13901445-T-TG. GRCh37 (hg19) VCF-style: chr5-13901554-T-TG.
Other names: short protein forms Q620fs.
Identifiers: ClinVar variation 5012278 (VCV005012278.1).